The following is an entry in ClinVar:

NM_004068.4(AP2M1):c.266T>G (p.Met89Arg)

Gene: AP2M1 (adaptor related protein complex 2 subunit mu 1; plus strand). Cytogenetic location: 3q27.1.
Variant type: single nucleotide variant.
Coding change: c.266T>G on transcript NM_004068.4 (MANE Select); coding-DNA position 266, T replaced by G.
Protein change: p.Met89Arg; replaces methionine 89 with arginine.
Molecular consequence: missense variant.
Genome position (GRCh38, 1-based): chr3:184,179,048, T>G. VCF-style: chr3-184179048-T-G. GRCh37 (hg19) VCF-style: chr3-183896836-T-G.
Other names: c.266T>G, p.Met89Arg (NM_001025205.2); c.341T>G, p.Met114Arg (NM_001311198.2); short protein forms M114R, M89R.
Identifiers: ClinVar variation 1715804 (VCV001715804.5), dbSNP rs1715180354, ClinGen allele CA355420938.
Genomic context (GRCh38, chr3:184,179,048, plus strand): 5'-CCAAGCAGAATGTCAACGCTGCCATGGTCTTCGAATTCCTCTATAAGATGTGTGACGTGA[T>G]GGCTGCCTACTTTGGCAAGATCAGCGAGGAAAACATCAAGAACAATTTTGTGCTCATATA-3'
Protein context (NP_004059.2, residues 79-99): FEFLYKMCDV[Met89Arg]AAYFGKISEE

ClinVar aggregate classification (germline): Uncertain significance (1 of 4 stars; one submission).

Submission:

Labcorp Genetics (formerly Invitae), Labcorp
Classification: Uncertain significance. Last evaluated: 2022-08-20. Review status: criteria provided, single submitter. Criteria: Invitae Variant Classification Sherloc (09022015). Collection method: clinical testing. Allele origin: germline.
Comment: Algorithms developed to predict the effect of missense changes on protein structure and function (SIFT, PolyPhen-2, Align-GVGD) all suggest that this variant is likely to be disruptive. This sequence change replaces methionine, which is neutral and non-polar, with arginine, which is basic and polar, at codon 89 of the AP2M1 protein (p.Met89Arg). This variant is not present in population databases (gnomAD no frequency). This variant has not been reported in the literature in individuals affected with AP2M1-related conditions. In summary, the available evidence is currently insufficient to determine the role of this variant in disease. Therefore, it has been classified as a Variant of Uncertain Significance.